The following is an entry in ClinVar:

NM_000388.4(CASR):c.2849T>C (p.Leu950Pro)

Gene: CASR (calcium sensing receptor; plus strand). Cytogenetic location: 3q21.1.
Variant type: single nucleotide variant.
Coding change: c.2849T>C on transcript NM_000388.4 (MANE Select); coding-DNA position 2849, T replaced by C.
Protein change: p.Leu950Pro; replaces leucine 950 with proline.
Molecular consequence: missense variant.
Genome position (GRCh38, 1-based): chr3:122,284,803, T>C. VCF-style: chr3-122284803-T-C. GRCh37 (hg19) VCF-style: chr3-122003650-T-C.
Other names: c.2879T>C, p.Leu960Pro (NM_001178065.2); short protein forms L960P, L950P.
Identifiers: ClinVar variation 1393056 (VCV001393056.6), dbSNP rs753866409, ClinGen allele CA2569880.
Genomic context (GRCh38, chr3:122,284,803, plus strand): 5'-AGAAGCAGCAGCAGCCGCTGGCCCTAACCCAGCAAGAGCAGCAGCAGCAGCCCCTGACCC[T>C]CCCACAGCAGCAACGATCTCAGCAGCAGCCCAGATGCAAGCAGAAGGTCATCTTTGGCAG-3'
Protein context (NP_000379.3, residues 940-960): QQEQQQQPLT[Leu950Pro]PQQQRSQQQP

ClinVar aggregate classification (germline): Uncertain significance (1 of 4 stars; one submission).

Conditions:
Familial hypocalciuric hypercalcemia (FHH). Also called: Familial benign hypercalcemia. Identifiers: Orphanet 405, MedGen C1809471, MONDO:0018458.
Autosomal dominant hypocalcemia 1 (HYPOC1). Also called: HYPOCALCEMIA, FAMILIAL. Identifiers: MedGen C3715128, MONDO:0011013, OMIM 601198.

Allele frequency attached by ClinVar (database versions not stated): TOPMed below 0.00001; gnomAD 0.00001; gnomAD exomes 0.00001 and 0.00002; ExAC 0.00003.
gnomAD v4.1: 6 of 1,613,772 alleles (0.00037%); highest among the groups gnomAD compares: Non-Finnish European, 0.000085%; no homozygotes.

Submission:

Labcorp Genetics (formerly Invitae), Labcorp
Classification: Uncertain significance for Familial hypocalciuric hypercalcemia; Autosomal dominant hypocalcemia 1. Last evaluated: 2021-09-10. Review status: criteria provided, single submitter. Criteria: Invitae Variant Classification Sherloc (09022015). Collection method: clinical testing. Allele origin: germline.
Comment: This variant has not been reported in the literature in individuals affected with CASR-related conditions. Algorithms developed to predict the effect of missense changes on protein structure and function output the following: SIFT: "Deleterious"; PolyPhen-2: "Benign"; Align-GVGD: "Class C0". The proline amino acid residue is found in multiple mammalian species, which suggests that this missense change does not adversely affect protein function. In summary, the available evidence is currently insufficient to determine the role of this variant in disease. Therefore, it has been classified as a Variant of Uncertain Significance. This variant is present in population databases (rs753866409, ExAC 0.05%). This sequence change replaces leucine with proline at codon 950 of the CASR protein (p.Leu950Pro). The leucine residue is moderately conserved and there is a moderate physicochemical difference between leucine and proline.